The following is an entry in ClinVar:

NM_001256447.2(BCAP31):c.477+1G>C

Gene: BCAP31 (B cell receptor associated protein 31; minus strand). Cytogenetic location: Xq28.
Variant type: single nucleotide variant.
Coding change: c.477+1G>C on transcript NM_001256447.2 (MANE Select); the canonical splice donor site of the intron after coding-DNA position 477, G replaced by C.
Molecular consequence: splice donor variant.
Genome position (GRCh38, 1-based): chrX:153,703,958, C>G on the plus strand (G>C on the coding strand, the complement: BCAP31 is on the minus strand). VCF-style: chrX-153703958-C-G. GRCh37 (hg19) VCF-style: chrX-152969413-C-G.
Other names: c.477+1G>C (NM_005745.8, NM_001139441.1); c.678+1G>C (NM_001139457.2).
Identifiers: ClinVar variation 2010989 (VCV002010989.4), dbSNP rs2522194574, ClinGen allele CA415093564.

ClinVar aggregate classification (germline): Likely pathogenic (1 of 4 stars; one submission).

Submission:

Labcorp Genetics (formerly Invitae), Labcorp
Classification: Likely pathogenic. Last evaluated: 2022-06-26. Review status: criteria provided, single submitter. Criteria: Invitae Variant Classification Sherloc (09022015). Collection method: clinical testing. Allele origin: germline.
Comment: This variant is not present in population databases (gnomAD no frequency). In summary, the currently available evidence indicates that the variant is pathogenic, but additional data are needed to prove that conclusively. Therefore, this variant has been classified as Likely Pathogenic. Algorithms developed to predict the effect of sequence changes on RNA splicing suggest that this variant may disrupt the consensus splice site. This variant has not been reported in the literature in individuals affected with BCAP31-related conditions. This sequence change affects a donor splice site in intron 5 of the BCAP31 gene. It is expected to disrupt RNA splicing. Variants that disrupt the donor or acceptor splice site typically lead to a loss of protein function (PMID: 16199547), and loss-of-function variants in BCAP31 are known to be pathogenic (PMID: 24011989).

Literature cited by the submitters: PubMed 16199547; PubMed 24011989.